The following is an entry in ClinVar:

NM_000277.3(PAH):c.176A>T (p.Asp59Val)

Gene: PAH (phenylalanine hydroxylase; minus strand). Cytogenetic location: 12q23.2.
Variant type: single nucleotide variant.
Coding change: c.176A>T on transcript NM_000277.3 (MANE Select); coding-DNA position 176, A replaced by T.
Protein change: p.Asp59Val; replaces aspartic acid 59 with valine.
Molecular consequence: missense variant.
Genome position (GRCh38, 1-based): chr12:102,894,911, T>A on the plus strand (A>T on the coding strand, the complement: PAH is on the minus strand). VCF-style: chr12-102894911-T-A. GRCh37 (hg19) VCF-style: chr12-103288689-T-A.
Other names: c.176A>T, p.Asp59Val (NM_001354304.2); short protein forms D59V.
Identifiers: ClinVar variation 619154 (VCV000619154.8), dbSNP rs199475672, ClinGen allele CA16020736.

ClinVar aggregate classification (germline): Uncertain significance. Review status: reviewed by expert panel (3 of 4 stars). 3 submissions from 3 submitters: Uncertain significance (1). 2 of the submissions do not count toward it. Last evaluated 2018-12-10.

Conditions:
Phenylketonuria (PKU). Also called: OLIGOPHRENIA PHENYLPYRUVICA; Phenylketonurias; FOLLING DISEASE; Phenylketonuria (PKU). Identifiers: Orphanet 716, MedGen C0031485, MONDO:0009861, OMIM 261600. Disease mechanism: loss of function.

Allele frequency attached by ClinVar (database versions not stated): gnomAD exomes below 0.00001; TOPMed below 0.00001; gnomAD 0.00001.
gnomAD v4.1: 2 of 1,612,596 alleles (0.00012%); highest among the groups gnomAD compares: Non-Finnish European, 0.00017%; no homozygotes.

Submissions (3):

ClinGen PAH Variant Curation Expert Panel
Classification: Uncertain significance for Phenylketonuria. Last evaluated: 2018-12-10. Review status: reviewed by expert panel. Criteria: ClinGen PAH ACMG Specifications v1. Collection method: curation. Allele origin: germline. Inheritance: Autosomal recessive inheritance.
Comment: computational evidence is conflicting. In summary, this variant meets criteria to be classified as uncertain significance for PAH. PAH-specific ACMG/AMP criteria applied: PP4, PM2, PP3.

Women's Health and Genetics/Laboratory Corporation of America, LabCorp
Classification: Likely pathogenic for Phenylketonuria. Last evaluated: 2025-07-18. Review status: criteria provided, single submitter. Criteria: LabCorp Variant Classification Summary - May 2015. Collection method: clinical testing. Allele origin: germline. Not counted in ClinVar's aggregate classification.
Comment: Variant summary: PAH c.176A>T (p.Asp59Val) results in a non-conservative amino acid change located in the ACT domain (IPR002912) of the encoded protein sequence. Algorithms developed to predict the effect of missense changes on protein structure and function all suggest that this variant is likely to be disruptive. The variant was absent in 250790 control chromosomes. c.176A>T has been observed in individual(s) affected with Phenylalanine Hydroxylase Deficiency (Phenylketonuria)(e.g. Leuzzi_2014, Rajabi_2019, Hillert_2020). These data indicate that the variant is likely to be associated with disease. To our knowledge, no experimental evidence demonstrating an impact on protein function has been reported. The following publications have been ascertained in the context of this evaluation (PMID: 32668217, 25003100, 31623983). ClinVar contains an entry for this variant (Variation ID: 619154). Based on the evidence outlined above, the variant was classified as likely pathogenic.

Labcorp Genetics (formerly Invitae), Labcorp
Classification: Pathogenic for Phenylketonuria. Last evaluated: 2022-07-12. Review status: criteria provided, single submitter. Criteria: Invitae Variant Classification Sherloc (09022015). Collection method: clinical testing. Allele origin: germline. Not counted in ClinVar's aggregate classification.
Comment: This variant is not present in population databases (gnomAD no frequency). This missense change has been observed in individual(s) with phenylketonuria (PMID: 25003100, 31623983). ClinVar contains an entry for this variant (Variation ID: 619154). Advanced modeling of protein sequence and biophysical properties (such as structural, functional, and spatial information, amino acid conservation, physicochemical variation, residue mobility, and thermodynamic stability) performed at Invitae indicates that this missense variant is expected to disrupt PAH protein function. This variant disrupts the p.Asp59 amino acid residue in PAH. Other variant(s) that disrupt this residue have been observed in individuals with PAH-related conditions (PMID: 10234516, 12655546, 30037505), which suggests that this may be a clinically significant amino acid residue. For these reasons, this variant has been classified as Pathogenic. This sequence change replaces aspartic acid, which is acidic and polar, with valine, which is neutral and non-polar, at codon 59 of the PAH protein (p.Asp59Val).

Literature cited by the submitters: PubMed 25003100 (cited by 3 submitters); PubMed 31623983 (cited by Women's Health and Genetics/Laboratory Corporation of America, LabCorp and Labcorp Genetics (formerly Invitae), Labcorp); PubMed 32668217 (cited by Women's Health and Genetics/Laboratory Corporation of America, LabCorp); PubMed 10234516 (cited by Labcorp Genetics (formerly Invitae), Labcorp); PubMed 12655546 (cited by Labcorp Genetics (formerly Invitae), Labcorp); PubMed 30037505 (cited by Labcorp Genetics (formerly Invitae), Labcorp).